The following is an entry in ClinVar:

ClinVar aggregate classification (germline): Uncertain significance (1 of 4 stars; one submission).

Conditions:
Charcot-Marie-Tooth disease axonal type 2U. Also called: CHARCOT-MARIE-TOOTH NEUROPATHY, TYPE 2U; CHARCOT-MARIE-TOOTH DISEASE, AXONAL, AUTOSOMAL DOMINANT, TYPE 2U. Identifiers: Orphanet 397735, MedGen C4084821, MONDO:0014566, OMIM 616280.
Severe early-onset pulmonary alveolar proteinosis due to MARS deficiency. Also called: PULMONARY ALVEOLAR PROTEINOSIS, REUNION ISLAND; Interstitial lung and liver disease. Identifiers: Orphanet 440427, MedGen C4225400, MONDO:0014206, OMIM 615486.

Allele frequency attached by ClinVar (database versions not stated): gnomAD exomes 0.00001; ExAC 0.00002; gnomAD 0.00002; TOPMed 0.00003.
gnomAD v4.1: 24 of 1,613,976 alleles (0.0015%); highest among the groups gnomAD compares: East Asian, 0.0022%; no homozygotes.

Submission:

Labcorp Genetics (formerly Invitae), Labcorp
Classification: Uncertain significance for Charcot-Marie-Tooth disease axonal type 2U; Severe early-onset pulmonary alveolar proteinosis due to MARS deficiency. Last evaluated: 2024-09-06. Review status: criteria provided, single submitter. Criteria: Invitae Variant Classification Sherloc (09022015). Collection method: clinical testing. Allele origin: germline.
Comment: This sequence change replaces isoleucine, which is neutral and non-polar, with valine, which is neutral and non-polar, at codon 711 of the MARS protein (p.Ile711Val). This variant is present in population databases (rs746357597, gnomAD 0.006%). This variant has not been reported in the literature in individuals affected with MARS-related conditions. An algorithm developed to predict the effect of missense changes on protein structure and function outputs the following: PolyPhen-2: "Benign". The valine amino acid residue is found in multiple mammalian species, which suggests that this missense change does not adversely affect protein function. In summary, the available evidence is currently insufficient to determine the role of this variant in disease. Therefore, it has been classified as a Variant of Uncertain Significance.

NM_004990.4(MARS1):c.2131A>G (p.Ile711Val)

Gene: MARS1 (methionyl-tRNA synthetase 1; plus strand). Cytogenetic location: 12q13.3.
Variant type: single nucleotide variant.
Coding change: c.2131A>G on transcript NM_004990.4 (MANE Select); coding-DNA position 2131, A replaced by G.
Protein change: p.Ile711Val; replaces isoleucine 711 with valine.
Molecular consequence: missense variant.
Genome position (GRCh38, 1-based): chr12:57,514,985, A>G. VCF-style: chr12-57514985-A-G. GRCh37 (hg19) VCF-style: chr12-57908768-A-G.
Other names: short protein forms I711V.
Identifiers: ClinVar variation 2932394 (VCV002932394.3), dbSNP rs746357597, ClinGen allele CA6650718.